The following is an entry in ClinVar:

ClinVar aggregate classification (germline): Likely benign (1 of 4 stars; one submission).

Submission:

CeGaT Center for Human Genetics Tuebingen
Classification: Likely benign. Last evaluated: 2026-06-01. Review status: criteria provided, single submitter. Criteria: CeGaT Center For Human Genetics Tuebingen Variant Classification Criteria Version 2. Collection method: clinical testing. Allele origin: germline. Affected: yes. Observed: 2 variant alleles.
Comment: AHNAK2: BP4

NM_138420.4(AHNAK2):c.9740A>G (p.Asp3247Gly)

Gene: AHNAK2 (AHNAK nucleoprotein 2; minus strand). Cytogenetic location: 14q32.33.
Variant type: single nucleotide variant.
Coding change: c.9740A>G on transcript NM_138420.4 (MANE Select); coding-DNA position 9740, A replaced by G.
Protein change: p.Asp3247Gly; replaces aspartic acid 3247 with glycine.
Molecular consequence: missense variant.
Genome position (GRCh38, 1-based): chr14:104,945,711, T>C on the plus strand (A>G on the coding strand, the complement: AHNAK2 is on the minus strand). VCF-style: chr14-104945711-T-C. GRCh37 (hg19) VCF-style: chr14-105412048-T-C.
Other names: c.9440A>G, p.Asp3147Gly (NM_001350929.2); short protein forms D3147G, D3247G.
Identifiers: ClinVar variation 4872459 (VCV004872459.2).